The following is an entry in ClinVar:

NM_005045.4(RELN):c.2737C>T (p.Arg913Cys)

Gene: RELN (reelin; minus strand). Cytogenetic location: 7q22.1.
Variant type: single nucleotide variant.
Coding change: c.2737C>T on transcript NM_005045.4 (MANE Select); coding-DNA position 2737, C replaced by T.
Protein change: p.Arg913Cys; replaces arginine 913 with cysteine.
Molecular consequence: missense variant.
Genome position (GRCh38, 1-based): chr7:103,611,769, G>A on the plus strand (C>T on the coding strand, the complement: RELN is on the minus strand). VCF-style: chr7-103611769-G-A. GRCh37 (hg19) VCF-style: chr7-103252216-G-A.
Other names: c.2737C>T, p.Arg913Cys (NM_173054.3); short protein forms R913C.
Identifiers: ClinVar variation 841953 (VCV000841953.11), dbSNP rs771172788, ClinGen allele CA4421933.

ClinVar aggregate classification (germline): Conflicting classifications of pathogenicity. Review status: criteria provided, conflicting classifications (1 of 4 stars). 2 submissions from 2 submitters: Uncertain significance (1); Likely benign (1). Last evaluated 2024-11-06.

Conditions:
Familial temporal lobe epilepsy 7. Identifiers: Orphanet 101046, MedGen C4225327, MONDO:0014639, OMIM 616436.
Norman-Roberts syndrome (LIS2). Also called: Lissencephaly 2 (Norman-Roberts type). Identifiers: Orphanet 89844, MedGen C0796089, MONDO:0009760, OMIM 257320.

Allele frequency attached by ClinVar (database versions not stated): gnomAD 0.00001 and 0.00003; TOPMed 0.00001; gnomAD exomes 0.00004 and 0.00008; ExAC 0.00006.
gnomAD v4.1: 64 of 1,613,670 alleles (0.004%); highest among the groups gnomAD compares: South Asian, 0.034%; no homozygotes.

Submissions (2):

Labcorp Genetics (formerly Invitae), Labcorp
Classification: Likely benign for Familial temporal lobe epilepsy 7; Norman-Roberts syndrome. Last evaluated: 2024-11-06. Review status: criteria provided, single submitter. Criteria: Invitae Variant Classification Sherloc (09022015). Collection method: clinical testing. Allele origin: germline.

GeneDx
Classification: Uncertain significance. Last evaluated: 2021-03-01. Review status: criteria provided, single submitter. Criteria: GeneDx Variant Classification Process June 2021. Collection method: clinical testing. Allele origin: germline. Affected: yes.
Comment: In silico analysis supports that this missense variant has a deleterious effect on protein structure/function; Has not been previously published as pathogenic or benign to our knowledge